The following is an entry in ClinVar:

ClinVar aggregate classification (germline): Likely pathogenic (1 of 4 stars; one submission).

Conditions:
Developmental and epileptic encephalopathy, 62. Also called: Early infantile epileptic encephalopathy 62. Identifiers: MedGen C4693699, MONDO:0033371, OMIM 617938.
Epilepsy, familial focal, with variable foci 4 (FFEVF4). Identifiers: MedGen C4693694, MONDO:0054776, OMIM 617935.

gnomAD v4.1: 1 of 1,613,982 alleles (0.000062%); highest among the groups gnomAD compares: Non-Finnish European, 0.000085%; no homozygotes.

Submission:

Clinical Genomics Laboratory, Washington University in St. Louis
Classification: Likely pathogenic for Epilepsy, familial focal, with variable foci 4; Developmental and epileptic encephalopathy, 62. Last evaluated: 2026-02-22. Review status: criteria provided, single submitter. Criteria: ACMG Guidelines, 2015. Collection method: clinical testing. Allele origin: germline. Affected: yes.
Comment: The SCN3A c.4037G>A (p.Trp1346*) variant, to our knowledge, has not been reported in the medical literature. This variant is absent from the general population (gnomAD v2.1.1), indicating it is not a common variant. This variant leads to a premature termination codon, which is predicted to lead to nonsense mediated decay. Based on available information and the ClinGen Epilepsy Sodium Channel Expert Panel Specifications to the ACMG/AMP Variant Interpretation Guidelines for SCN3A Version 2.1.0, this variant is classified as likely pathogenic.

NM_006922.4(SCN3A):c.4037G>A (p.Trp1346Ter)

Gene: SCN3A (sodium voltage-gated channel alpha subunit 3; minus strand). Cytogenetic location: 2q24.3.
Variant type: single nucleotide variant.
Coding change: c.4037G>A on transcript NM_006922.4 (MANE Select); coding-DNA position 4037, G replaced by A.
Protein change: p.Trp1346Ter; replaces tryptophan 1346 with a stop codon.
Molecular consequence: nonsense.
Genome position (GRCh38, 1-based): chr2:165,097,454, C>T on the plus strand (G>A on the coding strand, the complement: SCN3A is on the minus strand). VCF-style: chr2-165097454-C-T. GRCh37 (hg19) VCF-style: chr2-165953964-C-T.
Other names: c.3890G>A, p.Trp1297Ter (NM_001081676.2, NM_001081677.2); short protein forms W1297*, W1346*.
Identifiers: ClinVar variation 4879233 (VCV004879233.1).
Genomic context (GRCh38, chr2:165,097,454, plus strand): 5'-TTAACACAGTGGTAGAACTTGCCAGCAAACAAATTCACACCCATGATGCTAAAGATCAAC[C>T]AGAAGATGAGACAGACCAACAGCACATTCATGATAGAGGGAATTGCTCCAACAAGAGCAT-3'